The following is an entry in ClinVar:

ClinVar aggregate classification (germline): Uncertain significance (1 of 4 stars; one submission).

gnomAD v4.1: 1 of 1,608,414 alleles (0.000062%); highest among the groups gnomAD compares: Admixed American, 0.0017%; no homozygotes.

Submission:

Greenwood Genetic Center Diagnostic Laboratories, Greenwood Genetic Center
Classification: Uncertain significance. Last evaluated: 2024-09-03. Review status: criteria provided, single submitter. Criteria: ACMG Guidelines, 2015. Collection method: clinical testing. Allele origin: germline. Affected: yes.
Comment: PM2, BP4

NM_015466.4(PTPN23):c.2476G>C (p.Ala826Pro)

Gene: PTPN23 (protein tyrosine phosphatase non-receptor type 23; plus strand). Cytogenetic location: 3p21.31.
Variant type: single nucleotide variant.
Coding change: c.2476G>C on transcript NM_015466.4 (MANE Select); coding-DNA position 2476, G replaced by C.
Protein change: p.Ala826Pro; replaces alanine 826 with proline.
Molecular consequence: missense variant.
Genome position (GRCh38, 1-based): chr3:47,410,274, G>C. VCF-style: chr3-47410274-G-C. GRCh37 (hg19) VCF-style: chr3-47451764-G-C.
Other names: c.2098G>C, p.Ala700Pro (NM_001304482.2); short protein forms A700P, A826P.
Identifiers: ClinVar variation 3765629 (VCV003765629.1).